The following is an entry in ClinVar:

NM_001130004.2(ACTN1):c.1261G>A (p.Asp421Asn)

Gene: ACTN1 (actinin alpha 1; minus strand). Cytogenetic location: 14q24.1.
Variant type: single nucleotide variant.
Coding change: c.1261G>A on transcript NM_001130004.2 (MANE Select); coding-DNA position 1261, G replaced by A.
Protein change: p.Asp421Asn; replaces aspartic acid 421 with asparagine.
Molecular consequence: missense variant.
Genome position (GRCh38, 1-based): chr14:68,885,549, C>T on the plus strand (G>A on the coding strand, the complement: ACTN1 is on the minus strand). VCF-style: chr14-68885549-C-T. GRCh37 (hg19) VCF-style: chr14-69352266-C-T.
Other names: c.1261G>A, p.Asp421Asn (NM_001424027.1, NM_001424029.1, NM_001424019.1 and 7 more transcripts); c.1066G>A, p.Asp356Asn (NM_001424028.1, NM_001424026.1, NM_001411036.1); c.436G>A, p.Asp146Asn (NM_001424030.1); c.1198G>A, p.Asp400Asn (NM_001424020.1, NM_001424022.1); c.1192G>A, p.Asp398Asn (NM_001424021.1); c.1285G>A, p.Asp429Asn (NM_001411035.1, NM_001424016.1); c.1387G>A, p.Asp463Asn (NM_001424013.1); c.1348G>A, p.Asp450Asn (NM_001424015.1); and 2 more; short protein forms D356N, D420N, D421N, D450N, D398N, D429N, D463N, D146N.
Identifiers: ClinVar variation 3826094 (VCV003826094.2).
Genomic context (GRCh38, chr14:68,885,549, plus strand): 5'-CGAAGGCCTCATGCTTCTTGAGCAGGGCCTTGATCTCCGAGAGGGTGGCGGTCTCATAGT[C>T]CTTCTGTCGCAGCATGGCCTCTTTGCCTGGGTTGAGAGAGGGCCACATGGCTGAGCTGGA-3'
Protein context (NP_001123476.1, residues 411-431): DGKEAMLRQK[Asp421Asn]YETATLSEIK

ClinVar aggregate classification (germline): Uncertain significance. Review status: criteria provided, multiple submitters, no conflicts (2 of 4 stars). 2 submissions from 2 submitters: Uncertain significance (2). Last evaluated 2026-04-14.

Conditions:
Inborn genetic diseases. Identifiers: MedGen C0950123, MeSH D030342.

Submissions (2):

GeneDx
Classification: Uncertain significance. Last evaluated: 2026-04-14. Review status: criteria provided, single submitter. Criteria: GeneDx Variant Classification Process June 2021. Collection method: clinical testing. Allele origin: germline.
Comment: In silico analysis supports that this missense variant has a deleterious effect on protein structure/function; Has not been previously published as pathogenic or benign to our knowledge

Ambry Genetics
Classification: Uncertain significance for Inborn genetic diseases. Last evaluated: 2024-12-23. Review status: criteria provided, single submitter. Criteria: Ambry Variant Classification Scheme 2023. Collection method: clinical testing. Allele origin: germline.